The following is an entry in ClinVar:

NM_000038.6(APC):c.1927T>C (p.Ser643Pro)

Gene: APC (APC regulator of Wnt signaling pathway; plus strand). Cytogenetic location: 5q22.2.
Variant type: single nucleotide variant.
Coding change: c.1927T>C on transcript NM_000038.6 (MANE Select); coding-DNA position 1927, T replaced by C.
Protein change: p.Ser643Pro; replaces serine 643 with proline.
Molecular consequence: missense variant.
Genome position (GRCh38, 1-based): chr5:112,835,134, T>C. VCF-style: chr5-112835134-T-C. GRCh37 (hg19) VCF-style: chr5-112170831-T-C.
Other names: c.1927T>C, p.Ser643Pro (NM_001127510.3, NM_001354895.2); c.1873T>C, p.Ser625Pro (NM_001127511.3); c.1981T>C, p.Ser661Pro (NM_001354896.2); c.1957T>C, p.Ser653Pro (NM_001354897.2); c.1852T>C, p.Ser618Pro (NM_001354898.2); c.1843T>C, p.Ser615Pro (NM_001354899.2); c.1804T>C, p.Ser602Pro (NM_001354900.2); c.1750T>C, p.Ser584Pro (NM_001354901.2); and 5 more; short protein forms S625P, S643P, S618P, S360P, S517P, S542P, S552P, S584P.
Identifiers: ClinVar variation 82615 (VCV000082615.14), dbSNP rs78349383, ClinGen allele CA006416.

ClinVar aggregate classification (germline): Uncertain significance. Review status: criteria provided, multiple submitters, no conflicts (2 of 4 stars). 3 submissions from 3 submitters: Uncertain significance (2). 1 of the submissions does not count toward it. Last evaluated 2023-08-09.

Conditions:
Familial adenomatous polyposis 1 (FAP1). Also called: POLYPOSIS, ADENOMATOUS INTESTINAL; FAMILIAL ADENOMATOUS POLYPOSIS 1, ATTENUATED. Identifiers: MedGen C2713442, MONDO:0021056, OMIM 175100. Disease mechanism: loss of function.
Hereditary cancer-predisposing syndrome. Also called: Tumor predisposition; Hereditary Cancer Syndrome; Hereditary neoplastic syndrome; Neoplastic Syndromes, Hereditary. Identifiers: Orphanet 140162, MedGen C0027672, MeSH D009386, MONDO:0015356.
Familial colorectal cancer. Identifiers: MedGen CN280943, MONDO:0023113. Disease mechanism: loss of function.

Submissions (3):

Labcorp Genetics (formerly Invitae), Labcorp
Classification: Uncertain significance for Familial adenomatous polyposis 1. Last evaluated: 2023-08-09. Review status: criteria provided, single submitter. Criteria: Invitae Variant Classification Sherloc (09022015). Collection method: clinical testing. Allele origin: germline.
Comment: In summary, the available evidence is currently insufficient to determine the role of this variant in disease. Therefore, it has been classified as a Variant of Uncertain Significance. Advanced modeling of protein sequence and biophysical properties (such as structural, functional, and spatial information, amino acid conservation, physicochemical variation, residue mobility, and thermodynamic stability) performed at Invitae indicates that this missense variant is not expected to disrupt APC protein function. ClinVar contains an entry for this variant (Variation ID: 82615). This missense change has been observed in individual(s) with multiple colorectal polyps (PMID: 18199528). This variant is not present in population databases (gnomAD no frequency). This sequence change replaces serine, which is neutral and polar, with proline, which is neutral and non-polar, at codon 643 of the APC protein (p.Ser643Pro).

Ambry Genetics
Classification: Uncertain significance for Hereditary cancer-predisposing syndrome. Last evaluated: 2022-09-15. Review status: criteria provided, single submitter. Criteria: Ambry Variant Classification Scheme 2023. Collection method: clinical testing. Allele origin: germline.
Comment: The p.S643P variant (also known as c.1927T>C), located in coding exon 14 of the APC gene, results from a T to C substitution at nucleotide position 1927. The serine at codon 643 is replaced by proline, an amino acid with similar properties. This alteration has been reported in an individual with colorectal adenoma but without a polyposis phenotype (Azzopardi D et al. Cancer Res. 2008 Jan;68:358-63). This amino acid position is highly conserved in available vertebrate species. In addition, in silico predictors for this gene do not accurately predict pathogenicity. Since supporting evidence is limited at this time, the clinical significance of this alteration remains unclear.

Systems Biology Platform Zhejiang California International NanoSystems Institute
Classification: other for Familial colorectal cancer. Review status: no assertion criteria provided. Collection method: not provided. Allele origin: unknown. Not counted in ClinVar's aggregate classification.
ClinVar note: Converted during submission from cancer to other.

Literature cited by the submitters: PubMed 18199528 (cited by Labcorp Genetics (formerly Invitae), Labcorp and Ambry Genetics).